The following is an entry in ClinVar:

NM_001943.5(DSG2):c.2248G>A (p.Ala750Thr)

Genes: DSG2 (desmoglein 2; plus strand), DSG2-AS1 (DSG2 antisense RNA 1; minus strand). Cytogenetic location: 18q12.1.
Variant type: single nucleotide variant.
Coding change: c.2248G>A on transcript NM_001943.5 (MANE Select); coding-DNA position 2248, G replaced by A.
Protein change: p.Ala750Thr; replaces alanine 750 with threonine.
Molecular consequence: missense variant.
Genome position (GRCh38, 1-based): chr18:31,542,766, G>A. VCF-style: chr18-31542766-G-A. GRCh37 (hg19) VCF-style: chr18-29122729-G-A.
Other names: short protein forms A750T.
Identifiers: ClinVar variation 3073425 (VCV003073425.2), dbSNP rs2073277401, ClinGen allele CA402142773.

ClinVar aggregate classification (germline): Uncertain significance. Review status: criteria provided, multiple submitters, no conflicts (2 of 4 stars). 2 submissions from 2 submitters: Uncertain significance (2). Last evaluated 2025-10-19.

Conditions:
Arrhythmogenic right ventricular dysplasia 10. Also called: ARRHYTHMOGENIC RIGHT VENTRICULAR DYSPLASIA, FAMILIAL, 10; Arrhythmogenic Right Ventricular Dysplasia/Cardiomyopathy10; Arrhythmogenic right ventricular dysplasia/cardiomyopathy, type 10. Identifiers: MedGen C1857777, MONDO:0012434, OMIM 610193.
Arrhythmogenic right ventricular cardiomyopathy (ARVD). Also called: Arrhythmogenic right ventricular dysplasia; Cardiomyopathy, ARVC; Arrhythmogenic cardiomyopathy; Arrhythmogenic Right Ventricular Cardiomyopathy (ARVC). Identifiers: Orphanet 247, MedGen C0349788, MeSH D019571, MONDO:0016587. Disease mechanism: loss of function. Inheritance: Various modes of inheritance.

Allele frequency attached by ClinVar (database versions not stated): TOPMed below 0.00001.

Submissions (2):

Labcorp Genetics (formerly Invitae), Labcorp
Classification: Uncertain significance for Arrhythmogenic right ventricular dysplasia 10. Last evaluated: 2025-10-19. Review status: criteria provided, single submitter. Criteria: Invitae Variant Classification Sherloc (09022015). Collection method: clinical testing. Allele origin: germline.
Comment: This sequence change replaces alanine, which is neutral and non-polar, with threonine, which is neutral and polar, at codon 750 of the DSG2 protein (p.Ala750Thr). This variant is not present in population databases (gnomAD no frequency). This variant has not been reported in the literature in individuals affected with DSG2-related conditions. ClinVar contains an entry for this variant (Variation ID: 3073425). Invitae Evidence Modeling of protein sequence and biophysical properties (such as structural, functional, and spatial information, amino acid conservation, physicochemical variation, residue mobility, and thermodynamic stability) indicates that this missense variant is not expected to disrupt DSG2 protein function with a negative predictive value of 95%. In summary, the available evidence is currently insufficient to determine the role of this variant in disease. Therefore, it has been classified as a Variant of Uncertain Significance.

All of Us Research Program, National Institutes of Health
Classification: Uncertain significance for Arrhythmogenic right ventricular cardiomyopathy. Last evaluated: 2023-09-17. Review status: criteria provided, single submitter. Criteria: ACMG Guidelines, 2015. Collection method: clinical testing. Allele origin: germline. Inheritance: Autosomal dominant inheritance. Observed: 1 variant allele, 1 heterozygote.
Comment: This missense variant replaces alanine with threonine at codon 750 of the DSG2 protein. Computational prediction suggests that this variant may not impact protein structure and function (internally defined REVEL score threshold <= 0.5, PMID: 27666373). To our knowledge, functional studies have not been reported for this variant. This variant has not been reported in individuals affected with DSG2-related disorders in the literature. This variant has not been identified in the general population by the Genome Aggregation Database (gnomAD). The available evidence is insufficient to determine the role of this variant in disease conclusively. Therefore, this variant is classified as a Variant of Uncertain Significance.

This study involves interpretation of variants in research participants for the purpose of population health screening. Participant phenotype was not available at the time of variant classification. Additional details can be found in publication PMID: 35346344, PMCID: PMC8962531